The following is an entry in ClinVar:

ClinVar aggregate classification (germline): Uncertain significance. Review status: criteria provided, multiple submitters, no conflicts (2 of 4 stars). 2 submissions from 2 submitters: Uncertain significance (2). Last evaluated 2025-05-03.

Conditions:
Inborn genetic diseases. Identifiers: MedGen C0950123, MeSH D030342.

Allele frequency attached by ClinVar (database versions not stated): gnomAD exomes below 0.00001 and 0.00001; TOPMed below 0.00001; ExAC 0.00002.

Submissions (2):

Ambry Genetics
Classification: Uncertain significance for Inborn genetic diseases. Last evaluated: 2025-05-03. Review status: criteria provided, single submitter. Criteria: Ambry Variant Classification Scheme 2023. Collection method: clinical testing. Allele origin: germline.

Labcorp Genetics (formerly Invitae), Labcorp
Classification: Uncertain significance. Last evaluated: 2023-04-15. Review status: criteria provided, single submitter. Criteria: Invitae Variant Classification Sherloc (09022015). Collection method: clinical testing. Allele origin: germline.
Comment: In summary, the available evidence is currently insufficient to determine the role of this variant in disease. Therefore, it has been classified as a Variant of Uncertain Significance. Advanced modeling of protein sequence and biophysical properties (such as structural, functional, and spatial information, amino acid conservation, physicochemical variation, residue mobility, and thermodynamic stability) has been performed at Invitae for this missense variant, however the output from this modeling did not meet the statistical confidence thresholds required to predict the impact of this variant on C3 protein function. ClinVar contains an entry for this variant (Variation ID: 1512821). This variant has not been reported in the literature in individuals affected with C3-related conditions. This variant is present in population databases (rs760308636, gnomAD 0.003%). This sequence change replaces lysine, which is basic and polar, with glutamine, which is neutral and polar, at codon 789 of the C3 protein (p.Lys789Gln).

NM_000064.4(C3):c.2365A>C (p.Lys789Gln)

Gene: C3 (complement C3; minus strand). Cytogenetic location: 19p13.3.
Variant type: single nucleotide variant.
Coding change: c.2365A>C on transcript NM_000064.4 (MANE Select); coding-DNA position 2365, A replaced by C.
Protein change: p.Lys789Gln; replaces lysine 789 with glutamine.
Molecular consequence: missense variant.
Genome position (GRCh38, 1-based): chr19:6,702,202, T>G on the plus strand (A>C on the coding strand, the complement: C3 is on the minus strand). VCF-style: chr19-6702202-T-G. GRCh37 (hg19) VCF-style: chr19-6702213-T-G.
Other names: c.2365A>C (NM_000064.2); short protein forms K789Q.
Identifiers: ClinVar variation 1512821 (VCV001512821.9), dbSNP rs760308636, ClinGen allele CA9129095.
Genomic context (GRCh38, chr19:6,702,202, plus strand): 5'-TGCTCACAGCCAGAATCTCCCACGTGGTGATGGAGTCTTTCAAAAATATATTCATGAGCT[T>G]CGTAGAGATTCTGGATGGAGAAGAGGTTGGGGTATTAGGAGATGTCATCTAGCAGGGTGG-3'
Protein context (NP_000055.2, residues 779-799): KEPPKNGIST[Lys789Gln]LMNIFLKDSI